The following is an entry in ClinVar:

NM_000093.5(COL5A1):c.4397C>T (p.Pro1466Leu)

Gene: COL5A1 (collagen type V alpha 1 chain; plus strand). Cytogenetic location: 9q34.3.
Variant type: single nucleotide variant.
Coding change: c.4397C>T on transcript NM_000093.5 (MANE Select); coding-DNA position 4397, C replaced by T.
Protein change: p.Pro1466Leu; replaces proline 1466 with leucine.
Molecular consequence: missense variant.
Genome position (GRCh38, 1-based): chr9:134,819,004, C>T. VCF-style: chr9-134819004-C-T. GRCh37 (hg19) VCF-style: chr9-137710850-C-T.
Other names: c.4397C>T, p.Pro1466Leu (NM_001278074.1); short protein forms P1466L.
Identifiers: ClinVar variation 3687741 (VCV003687741.2).

ClinVar aggregate classification (germline): Uncertain significance (1 of 4 stars; one submission).

Conditions:
Ehlers-Danlos syndrome, classic type, 1 (EDSCL1). Also called: EHLERS-DANLOS SYNDROME, GRAVIS TYPE; EHLERS-DANLOS SYNDROME, SEVERE CLASSIC TYPE; Ehlers-Danlos syndrome, type 1; Ehlers-Danlos Syndrome, Classic Type, COL5A1-Related; EDS I. Identifiers: MedGen C0268335, MONDO:0019567, OMIM 130000.

Submission:

Labcorp Genetics (formerly Invitae), Labcorp
Classification: Uncertain significance for Ehlers-Danlos syndrome, classic type, 1. Last evaluated: 2024-05-22. Review status: criteria provided, single submitter. Criteria: Invitae Variant Classification Sherloc (09022015). Collection method: clinical testing. Allele origin: germline.
Comment: This sequence change replaces proline, which is neutral and non-polar, with leucine, which is neutral and non-polar, at codon 1466 of the COL5A1 protein (p.Pro1466Leu). This variant is not present in population databases (gnomAD no frequency). This variant has not been reported in the literature in individuals affected with COL5A1-related conditions. Advanced modeling of protein sequence and biophysical properties (such as structural, functional, and spatial information, amino acid conservation, physicochemical variation, residue mobility, and thermodynamic stability) has been performed at Invitae for this missense variant, however the output from this modeling did not meet the statistical confidence thresholds required to predict the impact of this variant on COL5A1 protein function. In summary, the available evidence is currently insufficient to determine the role of this variant in disease. Therefore, it has been classified as a Variant of Uncertain Significance.